The following is an entry in ClinVar:

NM_001793.6(CDH3):c.1658T>A (p.Ile553Asn)

Gene: CDH3 (cadherin 3; plus strand). Cytogenetic location: 16q22.1.
Variant type: single nucleotide variant.
Coding change: c.1658T>A on transcript NM_001793.6 (MANE Select); coding-DNA position 1658, T replaced by A.
Protein change: p.Ile553Asn; replaces isoleucine 553 with asparagine.
Molecular consequence: missense variant.
Genome position (GRCh38, 1-based): chr16:68,687,599, T>A. VCF-style: chr16-68687599-T-A. GRCh37 (hg19) VCF-style: chr16-68721502-T-A.
Other names: c.1658T>A (NM_001793.4); c.1658T>A, p.Ile553Asn (NM_001317195.3); c.1493T>A, p.Ile498Asn (NM_001317196.2); short protein forms I553N, I498N.
Identifiers: ClinVar variation 3011772 (VCV003011772.4), dbSNP rs748495894, ClinGen allele CA8129435.

ClinVar aggregate classification (germline): Uncertain significance. Review status: criteria provided, multiple submitters, no conflicts (2 of 4 stars). 2 submissions from 2 submitters: Uncertain significance (2). Last evaluated 2023-12-19.

Allele frequency attached by ClinVar (database versions not stated): ExAC 0.00001; TOPMed 0.00001; gnomAD 0.00002.
gnomAD v4.1: 3 of 1,613,994 alleles (0.00019%); highest among the groups gnomAD compares: African/African-American, 0.004%; no homozygotes.

Submissions (2):

GeneDx
Classification: Uncertain significance. Last evaluated: 2023-12-19. Review status: criteria provided, single submitter. Criteria: GeneDx Variant Classification Process June 2021. Collection method: clinical testing. Allele origin: germline. Affected: yes.
Comment: In silico analysis supports that this missense variant has a deleterious effect on protein structure/function; Has not been previously published as pathogenic or benign to our knowledge

Labcorp Genetics (formerly Invitae), Labcorp
Classification: Uncertain significance. Last evaluated: 2023-01-01. Review status: criteria provided, single submitter. Criteria: Invitae Variant Classification Sherloc (09022015). Collection method: clinical testing. Allele origin: germline.
Comment: This variant is present in population databases (rs748495894, gnomAD 0.01%). This sequence change replaces isoleucine, which is neutral and non-polar, with asparagine, which is neutral and polar, at codon 553 of the CDH3 protein (p.Ile553Asn). This variant has not been reported in the literature in individuals affected with CDH3-related conditions. Advanced modeling of protein sequence and biophysical properties (such as structural, functional, and spatial information, amino acid conservation, physicochemical variation, residue mobility, and thermodynamic stability) has been performed at Invitae for this missense variant, however the output from this modeling did not meet the statistical confidence thresholds required to predict the impact of this variant on CDH3 protein function. In summary, the available evidence is currently insufficient to determine the role of this variant in disease. Therefore, it has been classified as a Variant of Uncertain Significance.